The following is an entry in ClinVar:

NM_002907.4(RECQL):c.21_24del (p.Thr8fs)

Gene: RECQL (RecQ like helicase; minus strand). Cytogenetic location: 12p12.1.
Variant type: Deletion.
Coding change: c.21_24del on transcript NM_002907.4 (MANE Select); coding-DNA positions 21 to 24, 4 bases deleted (AACT; older notation c.21_24delAACT).
Protein change: p.Thr8fs; shifts the reading frame from threonine 8.
Molecular consequence: frameshift variant.
Genome position (GRCh38, 1-based): chr12:21,491,709-21,491,712, AGTT deleted on the plus strand (AACT on the coding strand, the reverse complement: RECQL is on the minus strand); deleting any 4 consecutive bases within chr12:21,491,709-21,491,714 gives the same sequence; the c. name uses the placement nearest the transcript's 3' end. VCF-style (leftmost placement, unchanged base first): chr12-21491708-CAGTT-C. GRCh37 (hg19) VCF-style: chr12-21644642-CAGTT-C.
Other names: c.21_24del, p.Thr8fs (NM_032941.3); short protein forms T8fs.
Identifiers: ClinVar variation 3431757 (VCV003431757.1).

ClinVar aggregate classification (germline): Uncertain significance (1 of 4 stars; one submission).

Submission:

Ambry Genetics
Classification: Uncertain significance. Last evaluated: 2024-07-19. Review status: criteria provided, single submitter. Criteria: Ambry Variant Classification Scheme 2023. Collection method: clinical testing. Allele origin: germline.
Comment: The c.21_24delAACT variant, located in coding exon 2 of the RECQL gene, results from a deletion of 4 nucleotides at nucleotide positions 21 to 24, causing a translational frameshift with a predicted alternate stop codon (p.T8Rfs*6). This alteration is expected to result in loss of function by premature protein truncation or nonsense-mediated mRNA decay. However, the evidence for this gene-disease relationship is limited; therefore, the clinical significance of this alteration is unclear.